The following is an entry in ClinVar:

ClinVar aggregate classification (germline): Uncertain significance (1 of 4 stars; one submission).

Conditions:
Fanconi anemia (FA). Also called: Fanconi's anemia. Identifiers: Orphanet 84, MedGen C0015625, MeSH D005199, MONDO:0019391.

Allele frequency attached by ClinVar (database versions not stated): TOPMed 0.00001; gnomAD exomes 0.00002; ExAC 0.00005.
gnomAD v4.1: 31 of 1,614,004 alleles (0.0019%); highest among the groups gnomAD compares: South Asian, 0.032%; no homozygotes.

Submission:

Labcorp Genetics (formerly Invitae), Labcorp
Classification: Uncertain significance for Fanconi anemia. Last evaluated: 2022-08-31. Review status: criteria provided, single submitter. Criteria: Invitae Variant Classification Sherloc (09022015). Collection method: clinical testing. Allele origin: germline.
Comment: This sequence change replaces glutamic acid, which is acidic and polar, with alanine, which is neutral and non-polar, at codon 196 of the FANCI protein (p.Glu196Ala). This variant is present in population databases (rs770321039, gnomAD 0.03%). This variant has not been reported in the literature in individuals affected with FANCI-related conditions. Algorithms developed to predict the effect of missense changes on protein structure and function output the following: SIFT: "Tolerated"; PolyPhen-2: "Benign"; Align-GVGD: "Class C0". The alanine amino acid residue is found in multiple mammalian species, which suggests that this missense change does not adversely affect protein function. In summary, the available evidence is currently insufficient to determine the role of this variant in disease. Therefore, it has been classified as a Variant of Uncertain Significance.

NM_001113378.2(FANCI):c.587A>C (p.Glu196Ala)

Gene: FANCI (FA complementation group I; plus strand). Cytogenetic location: 15q26.1.
Variant type: single nucleotide variant.
Coding change: c.587A>C on transcript NM_001113378.2 (MANE Select); coding-DNA position 587, A replaced by C.
Protein change: p.Glu196Ala; replaces glutamic acid 196 with alanine.
Molecular consequence: missense variant.
Genome position (GRCh38, 1-based): chr15:89,263,944, A>C. VCF-style: chr15-89263944-A-C. GRCh37 (hg19) VCF-style: chr15-89807175-A-C.
Other names: c.308A>C, p.Glu103Ala (NM_001376910.1); c.587A>C, p.Glu196Ala (NM_001376911.1, NM_018193.3); short protein forms E196A, E103A.
Identifiers: ClinVar variation 1926601 (VCV001926601.2), dbSNP rs770321039, ClinGen allele CA7722693.